The following is an entry in ClinVar:

ClinVar aggregate classification (germline): Uncertain significance (1 of 4 stars; one submission).

Conditions:
Nemaline myopathy 6 (NEM6). Also called: Nemaline myopathy 6, autosomal dominant. Identifiers: Orphanet 171439, MedGen C1836472, MONDO:0012237, OMIM 609273.

Submission:

Labcorp Genetics (formerly Invitae), Labcorp
Classification: Uncertain significance for Nemaline myopathy 6. Last evaluated: 2022-10-17. Review status: criteria provided, single submitter. Criteria: Invitae Variant Classification Sherloc (09022015). Collection method: clinical testing. Allele origin: germline.
Comment: In summary, the available evidence is currently insufficient to determine the role of this variant in disease. Therefore, it has been classified as a Variant of Uncertain Significance. Algorithms developed to predict the effect of missense changes on protein structure and function are either unavailable or do not agree on the potential impact of this missense change (SIFT: "Deleterious"; PolyPhen-2: "Benign"; Align-GVGD: "Class C0"). This variant has not been reported in the literature in individuals affected with KBTBD13-related conditions. This variant is not present in population databases (gnomAD no frequency). This sequence change replaces arginine, which is basic and polar, with threonine, which is neutral and polar, at codon 425 of the KBTBD13 protein (p.Arg425Thr).

NM_001101362.3(KBTBD13):c.1274G>C (p.Arg425Thr)

Gene: KBTBD13 (kelch repeat and BTB domain containing 13; plus strand). Cytogenetic location: 15q22.31.
Variant type: single nucleotide variant.
Coding change: c.1274G>C on transcript NM_001101362.3 (MANE Select); coding-DNA position 1274, G replaced by C.
Protein change: p.Arg425Thr; replaces arginine 425 with threonine.
Molecular consequence: missense variant.
Genome position (GRCh38, 1-based): chr15:65,078,089, G>C. VCF-style: chr15-65078089-G-C. GRCh37 (hg19) VCF-style: chr15-65370427-G-C.
Other names: short protein forms R425T.
Identifiers: ClinVar variation 2124904 (VCV002124904.4), dbSNP rs1249820948, ClinGen allele CA392867026.